The following is an entry in ClinVar:

NM_001029883.3(PCARE):c.1717G>T (p.Val573Leu)

Gene: PCARE (photoreceptor cilium actin regulator; minus strand). Cytogenetic location: 2p23.2.
Variant type: single nucleotide variant.
Coding change: c.1717G>T on transcript NM_001029883.3 (MANE Select); coding-DNA position 1717, G replaced by T.
Protein change: p.Val573Leu; replaces valine 573 with leucine.
Molecular consequence: missense variant.
Genome position (GRCh38, 1-based): chr2:29,072,545, C>A on the plus strand (G>T on the coding strand, the complement: PCARE is on the minus strand). VCF-style: chr2-29072545-C-A. GRCh37 (hg19) VCF-style: chr2-29295411-C-A.
Other names: short protein forms V573L.
Identifiers: ClinVar variation 1970367 (VCV001970367.5), dbSNP rs2465276932, ClinGen allele CA346479057.

ClinVar aggregate classification (germline): Uncertain significance (1 of 4 stars; one submission).

Submission:

Labcorp Genetics (formerly Invitae), Labcorp
Classification: Uncertain significance. Last evaluated: 2022-02-04. Review status: criteria provided, single submitter. Criteria: Invitae Variant Classification Sherloc (09022015). Collection method: clinical testing. Allele origin: germline.
Comment: In summary, the available evidence is currently insufficient to determine the role of this variant in disease. Therefore, it has been classified as a Variant of Uncertain Significance. Algorithms developed to predict the effect of missense changes on protein structure and function (SIFT, PolyPhen-2, Align-GVGD) all suggest that this variant is likely to be tolerated. This variant has not been reported in the literature in individuals affected with PCARE-related conditions. This variant is not present in population databases (gnomAD no frequency). This sequence change replaces valine, which is neutral and non-polar, with leucine, which is neutral and non-polar, at codon 573 of the PCARE protein (p.Val573Leu).